The following is an entry in ClinVar:

ClinVar aggregate classification (germline): Likely benign (1 of 4 stars; one submission).

Conditions:
CREBBP-related disorder. Also called: CREBBP-related disorders; CREBBP-related condition.

gnomAD v4.1: 1 of 1,614,186 alleles (0.000062%); highest among the groups gnomAD compares: Non-Finnish European, 0.000085%; no homozygotes.

Submission:

PreventionGenetics, part of Exact Sciences
Classification: Likely benign for CREBBP-related condition. Last evaluated: 2025-09-03. Review status: criteria provided, single submitter. Criteria: ACMG Guidelines, 2015. Collection method: clinical testing. Allele origin: germline.
Comment: This variant is classified as likely benign based on ACMG/AMP sequence variant interpretation guidelines (Richards et al. 2015 PMID: 25741868, with internal and published modifications).

NM_004380.3(CREBBP):c.4203A>G (p.Glu1401=)

Gene: CREBBP (CREB binding lysine acetyltransferase; minus strand). Cytogenetic location: 16p13.3.
Variant type: single nucleotide variant.
Coding change: c.4203A>G on transcript NM_004380.3 (MANE Select); coding-DNA position 4203, A replaced by G.
Protein change: p.Glu1401=; no amino-acid change (glutamic acid 1401 retained).
Molecular consequence: synonymous variant.
Genome position (GRCh38, 1-based): chr16:3,739,655, T>C on the plus strand (A>G on the coding strand, the complement: CREBBP is on the minus strand). VCF-style: chr16-3739655-T-C. GRCh37 (hg19) VCF-style: chr16-3789656-T-C.
Other names: c.4089A>G, p.Glu1363= (NM_001079846.1).
Identifiers: ClinVar variation 4994528 (VCV004994528.1).